The following is an entry in ClinVar:

NM_022437.3(ABCG8):c.1647C>T (p.Ala549=)

Gene: ABCG8 (ATP binding cassette subfamily G member 8; plus strand). Cytogenetic location: 2p21.
Variant type: single nucleotide variant.
Coding change: c.1647C>T on transcript NM_022437.3 (MANE Select); coding-DNA position 1647, C replaced by T.
Protein change: p.Ala549=; no amino-acid change (alanine 549 retained).
Molecular consequence: synonymous variant.
Genome position (GRCh38, 1-based): chr2:43,875,304, C>T. VCF-style: chr2-43875304-C-T. GRCh37 (hg19) VCF-style: chr2-44102443-C-T.
Other names: c.1644C>T, p.Ala548= (NM_001357321.2).
Identifiers: ClinVar variation 597319 (VCV000597319.17), dbSNP rs369736263, ClinGen allele CA1637576.

ClinVar aggregate classification (germline): Conflicting classifications of pathogenicity. Review status: criteria provided, conflicting classifications (1 of 4 stars). 6 submissions from 6 submitters: Uncertain significance (2); Likely benign (3). 1 of the submissions does not count toward it. Last evaluated 2025-10-29.

Conditions:
Cardiovascular phenotype. Identifiers: MedGen CN230736.
ABCG8-related disorder. Also called: ABCG8-related condition.
Sitosterolemia 1. Identifiers: MedGen C2749759, MONDO:0020747, OMIM 210250.

Allele frequency attached by ClinVar (database versions not stated): ExAC 0.00008; gnomAD 0.00011 and 0.00014; gnomAD exomes 0.00011 and 0.00024; ESP Exome Variant Server 0.00015; 1000 Genomes Project 30x 0.00016; TOPMed 0.00016; 1000 Genomes Project 0.00020.
gnomAD v4.1: 390 of 1,614,152 alleles (0.024%); highest among the groups gnomAD compares: Non-Finnish European, 0.029%; no homozygotes.

Submissions (6):

Labcorp Genetics (formerly Invitae), Labcorp
Classification: Likely benign. Last evaluated: 2025-10-29. Review status: criteria provided, single submitter. Criteria: Invitae Variant Classification Sherloc (09022015). Collection method: clinical testing. Allele origin: germline.

Blueprint Genetics
Classification: Likely benign. Last evaluated: 2024-09-30. Review status: criteria provided, single submitter. Criteria: ACMG Guidelines, 2015. Collection method: clinical testing. Allele origin: germline.

Ambry Genetics
Classification: Likely benign for Cardiovascular phenotype. Last evaluated: 2019-09-16. Review status: criteria provided, single submitter. Criteria: Ambry Variant Classification Scheme 2023. Collection method: clinical testing. Allele origin: germline.

Eurofins Ntd Llc (ga)
Classification: Uncertain significance. Last evaluated: 2018-05-25. Review status: criteria provided, single submitter. Criteria: EGL ClinVar v180209 classification definitions. Collection method: clinical testing. Allele origin: germline. Observed: 1 variant allele, 1 heterozygote.

Illumina Laboratory Services, Illumina
Classification: Uncertain significance for Sitosterolemia 1. Last evaluated: 2017-04-27. Review status: criteria provided, single submitter. Criteria: ICSL Variant Classification Criteria 13 December 2019. Collection method: clinical testing. Allele origin: germline.

PreventionGenetics, part of Exact Sciences
Classification: Likely benign for ABCG8-related condition. Last evaluated: 2021-11-02. Review status: no assertion criteria provided. Collection method: clinical testing. Allele origin: germline. Not counted in ClinVar's aggregate classification.
Comment: This variant is classified as likely benign based on ACMG/AMP sequence variant interpretation guidelines (Richards et al. 2015 PMID: 25741868, with internal and published modifications).